The following is an entry in ClinVar:

ClinVar aggregate classification (germline): Uncertain significance (1 of 4 stars; one submission).

Conditions:
Myofibrillar myopathy 5. Also called: Filaminopathy (type); FILAMINOPATHY, AUTOSOMAL DOMINANT. Identifiers: Orphanet 171445, MedGen C1836050, MONDO:0012289, OMIM 609524.
Distal myopathy with posterior leg and anterior hand involvement. Also called: WILLIAMS DISTAL MYOPATHY. Identifiers: Orphanet 63273, MedGen C3279722, MONDO:0013550, OMIM 614065.
Hypertrophic cardiomyopathy 26. Also called: Cardiomyopathy, familial hypertrophic, 26. Identifiers: Orphanet 75249, MedGen C4310749, MONDO:0014883, OMIM 617047.

Allele frequency attached by ClinVar (database versions not stated): gnomAD exomes below 0.00001 and 0.00001; TOPMed 0.00001.
gnomAD v4.1: 11 of 1,613,806 alleles (0.00068%); highest among the groups gnomAD compares: Non-Finnish European, 0.00093%; no homozygotes.

Submission:

Labcorp Genetics (formerly Invitae), Labcorp
Classification: Uncertain significance for Distal myopathy with posterior leg and anterior hand involvement; Myofibrillar myopathy 5; Hypertrophic cardiomyopathy 26. Last evaluated: 2024-07-01. Review status: criteria provided, single submitter. Criteria: Invitae Variant Classification Sherloc (09022015). Collection method: clinical testing. Allele origin: germline.
Comment: This sequence change replaces isoleucine, which is neutral and non-polar, with valine, which is neutral and non-polar, at codon 1190 of the FLNC protein (p.Ile1190Val). This variant is present in population databases (no rsID available, gnomAD 0.0009%). This variant has not been reported in the literature in individuals affected with FLNC-related conditions. ClinVar contains an entry for this variant (Variation ID: 1350101). Advanced modeling of protein sequence and biophysical properties (such as structural, functional, and spatial information, amino acid conservation, physicochemical variation, residue mobility, and thermodynamic stability) has been performed at Invitae for this missense variant, however the output from this modeling did not meet the statistical confidence thresholds required to predict the impact of this variant on FLNC protein function. In summary, the available evidence is currently insufficient to determine the role of this variant in disease. Therefore, it has been classified as a Variant of Uncertain Significance.

NM_001458.5(FLNC):c.3568A>G (p.Ile1190Val)

Gene: FLNC (filamin C; plus strand). Cytogenetic location: 7q32.1.
Variant type: single nucleotide variant.
Coding change: c.3568A>G on transcript NM_001458.5 (MANE Select); coding-DNA position 3568, A replaced by G.
Protein change: p.Ile1190Val; replaces isoleucine 1190 with valine.
Molecular consequence: missense variant.
Genome position (GRCh38, 1-based): chr7:128,845,033, A>G. VCF-style: chr7-128845033-A-G. GRCh37 (hg19) VCF-style: chr7-128485087-A-G.
Other names: c.3568A>G, p.Ile1190Val (NM_001127487.2); short protein forms I1190V.
Identifiers: ClinVar variation 1350101 (VCV001350101.6), dbSNP rs1259241248, ClinGen allele CA369197256.
Genomic context (GRCh38, chr7:128,845,033, plus strand): 5'-GTCGGTGAGGCAGCCACCTTCACTGTGGACTGCTCAGAGGCAGGCGAGGCGGAGCTGACC[A>G]TTGAGATCCTGTCGGATGCCGGGGTCAAGGCCGAGGTGCTGATCCACAACAACGCGGATG-3'
Protein context (NP_001449.3, residues 1180-1200): CSEAGEAELT[Ile1190Val]EILSDAGVKA